The following is an entry in ClinVar:

NM_144643.4(SCLT1):c.926A>C (p.Glu309Ala)

Gene: SCLT1 (sodium channel and clathrin linker 1; minus strand). Cytogenetic location: 4q28.2.
Variant type: single nucleotide variant.
Coding change: c.926A>C on transcript NM_144643.4 (MANE Select); coding-DNA position 926, A replaced by C.
Protein change: p.Glu309Ala; replaces glutamic acid 309 with alanine.
Molecular consequence: missense variant.
Genome position (GRCh38, 1-based): chr4:128,959,721, T>G on the plus strand (A>C on the coding strand, the complement: SCLT1 is on the minus strand). VCF-style: chr4-128959721-T-G. GRCh37 (hg19) VCF-style: chr4-129880876-T-G.
Other names: c.926A>C, p.Glu309Ala (NM_001410807.1); short protein forms E309A.
Identifiers: ClinVar variation 2083419 (VCV002083419.3), dbSNP rs765427849, ClinGen allele CA3079777.
Genomic context (GRCh38, chr4:128,959,721, plus strand): 5'-GCCTCATATCTCTCATTTTCTAATTCATTGCACTTTGCTTGTAGCTCTCTGGTCTGTTTT[T>G]CCAGATGTGTATTTTCGGTTCTTAATTGGTTGGCTTCTTGGATTGTCACACATAATCTAG-3'
Protein context (NP_653244.2, residues 299-319): NQLRTENTHL[Glu309Ala]KQTRELQAKC

ClinVar aggregate classification (germline): Uncertain significance (1 of 4 stars; one submission).

Allele frequency attached by ClinVar (database versions not stated): ExAC 0.00001.

Submission:

Labcorp Genetics (formerly Invitae), Labcorp
Classification: Uncertain significance. Last evaluated: 2022-05-05. Review status: criteria provided, single submitter. Criteria: Invitae Variant Classification Sherloc (09022015). Collection method: clinical testing. Allele origin: germline.
Comment: This variant has not been reported in the literature in individuals affected with SCLT1-related conditions. In summary, the available evidence is currently insufficient to determine the role of this variant in disease. Therefore, it has been classified as a Variant of Uncertain Significance. Algorithms developed to predict the effect of missense changes on protein structure and function (SIFT, PolyPhen-2, Align-GVGD) all suggest that this variant is likely to be disruptive. This variant is present in population databases (rs765427849, gnomAD 0.0009%). This sequence change replaces glutamic acid, which is acidic and polar, with alanine, which is neutral and non-polar, at codon 309 of the SCLT1 protein (p.Glu309Ala).